The following is an entry in ClinVar:

NM_003579.4(RAD54L):c.2014C>T (p.Leu672Phe)

Genes: LRRC41 (leucine rich repeat containing 41; minus strand), RAD54L (RAD54 like; plus strand). Cytogenetic location: 1p34.1.
Variant type: single nucleotide variant.
Coding change: c.2014C>T on transcript NM_003579.4 (MANE Select); coding-DNA position 2014, C replaced by T.
Protein change: p.Leu672Phe; replaces leucine 672 with phenylalanine.
Molecular consequence: missense variant. On other transcripts: 3 prime UTR variant (1).
Genome position (GRCh38, 1-based): chr1:46,277,961, C>T. VCF-style: chr1-46277961-C-T. GRCh37 (hg19) VCF-style: chr1-46743633-C-T.
Other names: c.*904G>A (NM_006369.5); c.2014C>T, p.Leu672Phe (NM_001142548.2); c.1474C>T, p.Leu492Phe (NM_001370766.1); short protein forms L492F, L672F.
Identifiers: ClinVar variation 2625169 (VCV002625169.2), dbSNP rs2148308136, ClinGen allele CA340190404.

ClinVar aggregate classification (germline): Uncertain significance (1 of 4 stars; one submission).

Submission:

Ambry Genetics
Classification: Uncertain significance. Last evaluated: 2023-09-05. Review status: criteria provided, single submitter. Criteria: Ambry Variant Classification Scheme 2023. Collection method: clinical testing. Allele origin: germline.
Comment: The p.L672F variant (also known as c.2014C>T), located in coding exon 17 of the RAD54L gene, results from a C to T substitution at nucleotide position 2014. The leucine at codon 672 is replaced by phenylalanine, an amino acid with highly similar properties. This amino acid position is conserved. In addition, this alteration is predicted to be tolerated by in silico analysis. Since supporting evidence is limited at this time, the clinical significance of this alteration remains unclear.